The following is an entry in ClinVar:

ClinVar aggregate classification (germline): Uncertain significance (1 of 4 stars; one submission).

Allele frequency attached by ClinVar (database versions not stated): gnomAD exomes below 0.00001; ExAC 0.00001; gnomAD 0.00001.
gnomAD v4.1: 8 of 1,612,338 alleles (0.0005%); highest among the groups gnomAD compares: Middle Eastern, 0.016%; no homozygotes.

Submission:

Labcorp Genetics (formerly Invitae), Labcorp
Classification: Uncertain significance. Last evaluated: 2022-07-12. Review status: criteria provided, single submitter. Criteria: Invitae Variant Classification Sherloc (09022015). Collection method: clinical testing. Allele origin: germline.
Comment: This sequence change replaces asparagine, which is neutral and polar, with serine, which is neutral and polar, at codon 1279 of the COL18A1 protein (p.Asn1279Ser). This variant is present in population databases (rs754036577, gnomAD 0.0009%). This variant has not been reported in the literature in individuals affected with COL18A1-related conditions. Experimental studies and prediction algorithms are not available or were not evaluated, and the functional significance of this variant is currently unknown. In summary, the available evidence is currently insufficient to determine the role of this variant in disease. Therefore, it has been classified as a Variant of Uncertain Significance.

NM_001379500.1(COL18A1):c.3845A>G (p.Asn1282Ser)

Genes: COL18A1 (collagen type XVIII alpha 1 chain; plus strand), SLC19A1 (solute carrier family 19 member 1; minus strand). Cytogenetic location: 21q22.3.
Variant type: single nucleotide variant.
Coding change: c.3845A>G on transcript NM_001379500.1 (MANE Select); coding-DNA position 3845, A replaced by G.
Protein change: p.Asn1282Ser; replaces asparagine 1282 with serine.
Molecular consequence: missense variant.
Genome position (GRCh38, 1-based): chr21:45,512,223, A>G. VCF-style: chr21-45512223-A-G. GRCh37 (hg19) VCF-style: chr21-46932137-A-G.
Other names: c.4376A>G, p.Asn1459Ser (NM_030582.4); c.5081A>G, p.Asn1694Ser (NM_130444.3); short protein forms N1459S, N1694S, N1282S.
Identifiers: ClinVar variation 1925916 (VCV001925916.5), dbSNP rs754036577, ClinGen allele CA10068112.